The following is an entry in ClinVar:

ClinVar aggregate classification (germline): Pathogenic. Review status: criteria provided, single submitter (1 of 4 stars). 2 submissions from 2 submitters: Pathogenic (1). 1 of the submissions does not count toward it. Last evaluated 2023-03-28.

Conditions:
Developmental and epileptic encephalopathy, 2 (DEE2). Also called: CDKL5 deficiency disorder; INFANTILE SPASM SYNDROME, X-LINKED 2. Identifiers: Orphanet 1934, Orphanet 3451, Orphanet 505652, MedGen C4750718, MONDO:0010396, OMIM 300672.
Angelman syndrome-like. Identifiers: MedGen CN128785.

Submissions (2):

Labcorp Genetics (formerly Invitae), Labcorp
Classification: Pathogenic for Developmental and epileptic encephalopathy, 2; Angelman syndrome-like. Last evaluated: 2023-03-28. Review status: criteria provided, single submitter. Criteria: Invitae Variant Classification Sherloc (09022015). Collection method: clinical testing. Allele origin: germline.
Comment: For these reasons, this variant has been classified as Pathogenic. This premature translational stop signal has been observed in individual(s) with CDKL5-related conditions (PMID: 31313283). This variant is not present in population databases (gnomAD no frequency). This sequence change creates a premature translational stop signal (p.Val659Glyfs*23) in the CDKL5 gene. It is expected to result in an absent or disrupted protein product. Loss-of-function variants in CDKL5 are known to be pathogenic (PMID: 22872100).

Cytogénomique, Hospices Civils de Lyon
Classification: Pathogenic for Developmental and epileptic encephalopathy, 2. Review status: no assertion criteria provided. Collection method: clinical testing. Allele origin: unknown. Inheritance: X-linked dominant inheritance. Affected: yes. Not counted in ClinVar's aggregate classification.

Literature cited by the submitters: PubMed 31313283 (cited by Labcorp Genetics (formerly Invitae), Labcorp); PubMed 22872100 (cited by Labcorp Genetics (formerly Invitae), Labcorp).

NM_001323289.2(CDKL5):c.1976_1977del (p.Val659fs)

Gene: CDKL5 (cyclin dependent kinase like 5; plus strand). Cytogenetic location: Xp22.13.
Variant type: Microsatellite.
Coding change: c.1976_1977del on transcript NM_001323289.2 (MANE Select); coding-DNA positions 1976 to 1977, 2 bases deleted (TG; older notation c.1976_1977delTG).
Protein change: p.Val659fs; shifts the reading frame from valine 659.
Molecular consequence: frameshift variant.
Genome position (GRCh38, 1-based): chrX:18,608,842-18,608,843, TG deleted; deleting any 2 consecutive bases within chrX:18,608,840-18,608,843 gives the same sequence; the c. name uses the placement nearest the transcript's 3' end. VCF-style (leftmost placement, unchanged base first): chrX-18608839-CTG-C. GRCh37 (hg19) VCF-style: chrX-18626959-CTG-C.
Other names: c.1976_1977del, p.Val659fs (NM_001037343.2, NM_003159.3); short protein forms V659fs.
Identifiers: ClinVar variation 1072616 (VCV001072616.13), dbSNP rs2147164191, ClinGen allele CA2579562961.
Genomic context (GRCh38, chrX:18,608,839, plus strand): 5'-CTCTTATAAATCCTTTTAAATTTTACTTCCAGCCTGGAGAACAGCTCCCTCCAGAGATGA[CTG>C]TGGCAAGATCTTCGGTCAAAGAGACCTCCAGAGAAGGCACCTCTTCCTTCCATACACGCC-3'